The following is an entry in ClinVar:

ClinVar aggregate classification (germline): Uncertain significance (1 of 4 stars; one submission).

Submission:

Ambry Genetics
Classification: Uncertain significance. Last evaluated: 2022-07-02. Review status: criteria provided, single submitter. Criteria: Ambry Variant Classification Scheme 2023. Collection method: clinical testing. Allele origin: germline.
Comment: The p.K444R variant (also known as c.1331A>G), located in coding exon 9 of the RINT1 gene, results from an A to G substitution at nucleotide position 1331. The lysine at codon 444 is replaced by arginine, an amino acid with highly similar properties. This amino acid position is conserved. In addition, this alteration is predicted to be tolerated by in silico analysis. Since supporting evidence is limited at this time, the clinical significance of this alteration remains unclear.

NM_021930.6(RINT1):c.1331A>G (p.Lys444Arg)

Gene: RINT1 (RAD50 interactor 1; plus strand). Cytogenetic location: 7q22.3.
Variant type: single nucleotide variant.
Coding change: c.1331A>G on transcript NM_021930.6 (MANE Select); coding-DNA position 1331, A replaced by G.
Protein change: p.Lys444Arg; replaces lysine 444 with arginine.
Molecular consequence: missense variant. On other transcripts: non-coding transcript variant (1).
Genome position (GRCh38, 1-based): chr7:105,550,484, A>G. VCF-style: chr7-105550484-A-G. GRCh37 (hg19) VCF-style: chr7-105190931-A-G.
Other names: c.1097A>G, p.Lys366Arg (NM_001346599.2); c.308A>G, p.Lys103Arg (NM_001346600.2, NM_001346603.2); c.407A>G, p.Lys136Arg (NM_001346601.2); short protein forms K136R, K366R, K103R, K444R.
Identifiers: ClinVar variation 1770145 (VCV001770145.2), dbSNP rs2485133893, ClinGen allele CA368809468.